The following is an entry in ClinVar:

ClinVar aggregate classification (germline): Pathogenic (1 of 4 stars; one submission).

Conditions:
GLMN-related disorder. Also called: GLMN-related condition.

Submission:

PreventionGenetics, part of Exact Sciences
Classification: Pathogenic for GLMN-related condition. Last evaluated: 2025-08-18. Review status: criteria provided, single submitter. Criteria: ACMG Guidelines, 2015. Collection method: clinical testing. Allele origin: germline.
Comment: The GLMN c.1293_1298delinsTT variant is predicted to result in premature protein termination (p.Leu432*). This variant was reported in an individual with glomuvenous malformations (reported as 1293delA + 1296delAAA in Brouillard et al. 2005. PubMed ID: 15689436). This variant has not been reported in a large population database (gnomAD), indicating this variant is rare. Nonsense variants in GLMN are expected to be pathogenic. This variant is interpreted as pathogenic.

NM_053274.3(GLMN):c.1293_1298delinsTT (p.Ser431_Leu432insTer)

Gene: GLMN (glomulin, FKBP associated protein; minus strand). Cytogenetic location: 1p22.1.
Variant type: Indel.
Coding change: c.1293_1298delinsTT on transcript NM_053274.3 (MANE Select); coding-DNA positions 1293 to 1298, ATTAAA replaced by TT.
Protein change: p.Ser431_Leu432insTer.
Molecular consequence: frameshift variant.
Genome position (GRCh38, 1-based): chr1:92,264,555-92,264,560, TTTAAT replaced by AA on the plus strand (ATTAAA replaced by TT on the coding strand, the reverse complement: GLMN is on the minus strand). VCF-style: chr1-92264555-TTTAAT-AA. GRCh37 (hg19) VCF-style: chr1-92730112-TTTAAT-AA.
Other names: c.1251_1256delinsTT, p.Ser417_Leu418insTer (NM_001319683.2).
Identifiers: ClinVar variation 4996748 (VCV004996748.1).